The following is an entry in ClinVar:

NM_052947.4(ALPK2):c.2326G>C (p.Val776Leu)

Gene: ALPK2 (alpha kinase 2; minus strand). Cytogenetic location: 18q21.31.
Variant type: single nucleotide variant.
Coding change: c.2326G>C on transcript NM_052947.4 (MANE Select); coding-DNA position 2326, G replaced by C.
Protein change: p.Val776Leu; replaces valine 776 with leucine.
Molecular consequence: missense variant.
Genome position (GRCh38, 1-based): chr18:58,537,861, C>G on the plus strand (G>C on the coding strand, the complement: ALPK2 is on the minus strand). VCF-style: chr18-58537861-C-G. GRCh37 (hg19) VCF-style: chr18-56205093-C-G.
Other names: short protein forms V776L.
Identifiers: ClinVar variation 1789658 (VCV001789658.2), dbSNP rs142030470, ClinGen allele CA8977094.

ClinVar aggregate classification (germline): Uncertain significance (1 of 4 stars; one submission).

Allele frequency attached by ClinVar (database versions not stated): ExAC 0.00016; 1000 Genomes Project 30x 0.00031; ESP Exome Variant Server 0.00038; 1000 Genomes Project 0.00040; gnomAD 0.00045; TOPMed 0.00049.
gnomAD v4.1: 145 of 1,614,162 alleles (0.009%); highest among the groups gnomAD compares: African/African-American, 0.17%; no homozygotes.

Submission:

Ambry Genetics
Classification: Uncertain significance. Last evaluated: 2022-09-25. Review status: criteria provided, single submitter. Criteria: Ambry Variant Classification Scheme 2023. Collection method: clinical testing. Allele origin: germline.
Comment: The p.V776L variant (also known as c.2326G>C), located in coding exon 4 of the ALPK2 gene, results from a G to C substitution at nucleotide position 2326. The valine at codon 776 is replaced by leucine, an amino acid with highly similar properties. This amino acid position is conserved. In addition, this alteration is predicted to be tolerated by in silico analysis. Since supporting evidence is limited at this time, the clinical significance of this alteration remains unclear.